The following is an entry in ClinVar:

NM_000660.7(TGFB1):c.11C>T (p.Ser4Phe)

Gene: TGFB1 (transforming growth factor beta 1; minus strand). Cytogenetic location: 19q13.2.
Variant type: single nucleotide variant.
Coding change: c.11C>T on transcript NM_000660.7 (MANE Select); coding-DNA position 11, C replaced by T.
Protein change: p.Ser4Phe; replaces serine 4 with phenylalanine.
Molecular consequence: missense variant.
Genome position (GRCh38, 1-based): chr19:41,353,034, G>A on the plus strand (C>T on the coding strand, the complement: TGFB1 is on the minus strand). VCF-style: chr19-41353034-G-A. GRCh37 (hg19) VCF-style: chr19-41858939-G-A.
Other names: short protein forms S4F.
Identifiers: ClinVar variation 1898806 (VCV001898806.5), dbSNP rs752190020, ClinGen allele CA9460192.

ClinVar aggregate classification (germline): Uncertain significance (1 of 4 stars; one submission).

Allele frequency attached by ClinVar (database versions not stated): TOPMed below 0.00001; gnomAD 0.00001; gnomAD exomes 0.00001; ExAC 0.00010.
gnomAD v4.1: 13 of 1,529,424 alleles (0.00085%); highest among the groups gnomAD compares: South Asian, 0.012%; no homozygotes.

Submission:

Labcorp Genetics (formerly Invitae), Labcorp
Classification: Uncertain significance. Last evaluated: 2026-02-03. Review status: criteria provided, single submitter. Criteria: Invitae Variant Classification Sherloc (09022015). Collection method: clinical testing. Allele origin: germline.
Comment: This sequence change replaces serine, which is neutral and polar, with phenylalanine, which is neutral and non-polar, at codon 4 of the TGFB1 protein (p.Ser4Phe). This variant is present in population databases (rs752190020, gnomAD 0.01%). This variant has not been reported in the literature in individuals affected with TGFB1-related conditions. ClinVar contains an entry for this variant (Variation ID: 1898806). Experimental studies and prediction algorithms are not available or were not evaluated, and the functional significance of this variant is currently unknown. In summary, the available evidence is currently insufficient to determine the role of this variant in disease. Therefore, it has been classified as a Variant of Uncertain Significance.